The following is an entry in ClinVar:

ClinVar aggregate classification (germline): Likely benign. Review status: criteria provided, multiple submitters, no conflicts (2 of 4 stars). 3 submissions from 3 submitters: Likely benign (2). 1 of the submissions does not count toward it. Last evaluated 2025-02-16.

Conditions:
GOSR2-related disorder. Also called: GOSR2-related disorders; GOSR2-related condition.

Allele frequency attached by ClinVar (database versions not stated): TOPMed 0.00015; gnomAD 0.00029; gnomAD exomes 0.00037; ExAC 0.00015.
gnomAD v4.1: 241 of 688,958 alleles (0.035%); highest among the groups gnomAD compares: Non-Finnish European, 0.031%; 1 homozygote.

Submissions (3):

Laboratory of Genetics, Children's Clinical University Hospital Latvia
Classification: Likely benign. Last evaluated: 2025-02-16. Review status: criteria provided, single submitter. Criteria: ACMG Guidelines, 2015. Collection method: clinical testing. Allele origin: germline. Affected: yes.

Blueprint Genetics
Classification: Likely benign. Last evaluated: 2024-11-05. Review status: criteria provided, single submitter. Criteria: ACMG Guidelines, 2015. Collection method: clinical testing. Allele origin: germline.

PreventionGenetics, part of Exact Sciences
Classification: Likely benign for GOSR2-related condition. Last evaluated: 2019-07-10. Review status: no assertion criteria provided. Collection method: clinical testing. Allele origin: germline. Not counted in ClinVar's aggregate classification.
Comment: This variant is classified as likely benign based on ACMG/AMP sequence variant interpretation guidelines (Richards et al. 2015 PMID: 25741868, with internal and published modifications).

NM_001321133.2(GOSR2):c.584-4G>T

Genes: GOSR2 (golgi SNAP receptor complex member 2; plus strand), LRRC37A2 (leucine rich repeat containing 37 member A2). Cytogenetic location: 17q21.32.
Variant type: single nucleotide variant.
Coding change: c.584-4G>T on transcript NM_001321133.2; 4 bases into the intron before coding-DNA position 584, G replaced by T.
Molecular consequence: intron variant.
Genome position (GRCh38, 1-based): chr17:46,966,530, G>T. VCF-style: chr17-46966530-G-T. GRCh37 (hg19) VCF-style: chr17-45043896-G-T.
Identifiers: ClinVar variation 3050236 (VCV003050236.4), dbSNP rs774130312, ClinGen allele CA8621419.
Genomic context (GRCh38, chr17:46,966,530, plus strand): 5'-CCAGGGTAGTTGGAACTACAGGTGCACCCCACCACACCCGATTAATTTTTTGTATTTTTT[G>T]CAGAGACAAGGTCTCACCATGTTGCCCAGAATGGACCCGAACTCCTGAGCTCAAGAGATC-3'